The following is an entry in ClinVar:

NM_000208.4(INSR):c.2442C>G (p.His814Gln)

Gene: INSR (insulin receptor; minus strand). Cytogenetic location: 19p13.2.
Variant type: single nucleotide variant.
Coding change: c.2442C>G on transcript NM_000208.4 (MANE Select); coding-DNA position 2442, C replaced by G.
Protein change: p.His814Gln; replaces histidine 814 with glutamine.
Molecular consequence: missense variant.
Genome position (GRCh38, 1-based): chr19:7,142,916, G>C on the plus strand (C>G on the coding strand, the complement: INSR is on the minus strand). VCF-style: chr19-7142916-G-C. GRCh37 (hg19) VCF-style: chr19-7142927-G-C.
Other names: c.2406C>G, p.His802Gln (NM_001079817.3); short protein forms H814Q, H802Q.
Identifiers: ClinVar variation 4795893 (VCV004795893.1).

ClinVar aggregate classification (germline): Likely benign (1 of 4 stars; one submission).

Conditions:
Leprechaunism syndrome. Also called: LEPRECHAUNISM; Donohue syndrome. Identifiers: Orphanet 508, MedGen C0265344, MONDO:0009517, OMIM 246200.

Submission:

Centre for Medical Genetics,  Mumbai
Classification: Likely benign for Leprechaunism syndrome. Last evaluated: 2026-02-20. Review status: criteria provided, single submitter. Criteria: ACMG Guidelines, 2015. Collection method: provider interpretation. Allele origin: germline. Inheritance: Autosomal recessive inheritance. Affected: no. Observed: 1 homozygote.
Comment: The variant satisfies PM2 criteria; Extremely low frequency in gnomAD population databases. The variant satisfies PP2 criteria; Missense variant in a gene with low rate of benign missense mutations and for which missense mutation is a common mechanism of a disease. However, the variant satisfies BS2 criteria; present in homozygous state in an individual that clinically does not have Donohue syndrome.

Literature cited by the submitters: PubMed 7815442.